The following is an entry in ClinVar:

ClinVar aggregate classification (germline): Likely benign (1 of 4 stars; one submission).

Conditions:
PLXNA1-related disorder. Also called: PLXNA1-related condition.

Submission:

PreventionGenetics, part of Exact Sciences
Classification: Likely benign for PLXNA1-related condition. Last evaluated: 2025-12-10. Review status: criteria provided, single submitter. Criteria: ACMG Guidelines, 2015. Collection method: clinical testing. Allele origin: germline.
Comment: This variant is classified as likely benign based on ACMG/AMP sequence variant interpretation guidelines (Richards et al. 2015 PMID: 25741868, with internal and published modifications).

NM_032242.4(PLXNA1):c.*7G>C

Gene: PLXNA1 (plexin A1; plus strand). Cytogenetic location: 3q21.3.
Variant type: single nucleotide variant.
Coding change: c.*7G>C on transcript NM_032242.4 (MANE Select); 7 bases downstream of the stop codon, G replaced by C.
Molecular consequence: 3 prime UTR variant.
Genome position (GRCh38, 1-based): chr3:127,034,024, G>C. VCF-style: chr3-127034024-G-C. GRCh37 (hg19) VCF-style: chr3-126752867-G-C.
Identifiers: ClinVar variation 4996339 (VCV004996339.1).
Genomic context (GRCh38, chr3:127,034,024, plus strand): 5'-CGGCTGCGGAGCAAGCTGGAGCAGGTGGTGGACACGATGGCCCTGAGCAGCTGAGCCCCA[G>C]CTGTGATCATCCAGCATGATGCAGCGTGAGGACAGCTGAGCAGGGACCGGGACAGCCCTC-3'